The following is an entry in ClinVar:

NM_001070.5(TUBG1):c.843+33C>T

Gene: TUBG1 (tubulin gamma 1; plus strand). Cytogenetic location: 17q21.2.
Variant type: single nucleotide variant.
Coding change: c.843+33C>T on transcript NM_001070.5 (MANE Select); 33 bases into the intron after coding-DNA position 843, C replaced by T.
Molecular consequence: intron variant.
Genome position (GRCh38, 1-based): chr17:42,614,031, C>T. VCF-style: chr17-42614031-C-T. GRCh37 (hg19) VCF-style: chr17-40766049-C-T.
Identifiers: ClinVar variation 1211831 (VCV001211831.27), dbSNP rs185908672, ClinGen allele CA8579983.
Genomic context (GRCh38, chr17:42,614,031, plus strand): 5'-CTACACCCCTCTCACTACGGACCAGTCAGTAAGAGCAGCCTTCAGTGTCCCAGGCCAGGC[C>T]GGCCCTGGGCCCAACAGGCCCTGTCCTAGCCTTTCTCTCTTCCCCACTGCCCCAGGAGCT-3'

ClinVar aggregate classification (germline): Benign/Likely benign. Review status: criteria provided, multiple submitters, no conflicts (2 of 4 stars). 2 submissions from 2 submitters: Benign (1); Likely benign (1). Last evaluated 2024-04-01.

Allele frequency attached by ClinVar (database versions not stated): gnomAD exomes 0.00041 and 0.00099; ExAC 0.00097; gnomAD 0.00369 and 0.00349; TOPMed 0.00382; ESP Exome Variant Server 0.00392; 1000 Genomes Project 0.00180; 1000 Genomes Project 30x 0.00203.
gnomAD v4.1: 1,149 of 1,613,940 alleles (0.071%); highest among the groups gnomAD compares: African/African-American, 1.3%; 6 homozygotes.

Submissions (2):

CeGaT Center for Human Genetics Tuebingen
Classification: Benign. Last evaluated: 2024-04-01. Review status: criteria provided, single submitter. Criteria: CeGaT Center For Human Genetics Tuebingen Variant Classification Criteria Version 2. Collection method: clinical testing. Allele origin: germline. Affected: yes. Observed: 3 variant alleles.
Comment: TUBG1: BP4, BP7, BS1, BS2

GeneDx
Classification: Likely benign. Last evaluated: 2018-12-09. Review status: criteria provided, single submitter. Criteria: GeneDx Variant Classification Process June 2021. Collection method: clinical testing. Allele origin: germline. Affected: yes.